The following is an entry in ClinVar:

NM_001379180.1(ESRRB):c.112A>C (p.Lys38Gln)

Gene: ESRRB (estrogen related receptor beta; plus strand). Cytogenetic location: 14q24.3.
Variant type: single nucleotide variant.
Coding change: c.112A>C on transcript NM_001379180.1 (MANE Select); coding-DNA position 112, A replaced by C.
Protein change: p.Lys38Gln; replaces lysine 38 with glutamine.
Molecular consequence: missense variant.
Genome position (GRCh38, 1-based): chr14:76,439,402, A>C. VCF-style: chr14-76439402-A-C. GRCh37 (hg19) VCF-style: chr14-76905745-A-C.
Other names: c.64A>C, p.Lys22Gln (NM_001411038.1); c.49A>C, p.Lys17Gln (NM_004452.4); short protein forms K17Q, K22Q, K38Q.
Identifiers: ClinVar variation 3662143 (VCV003662143.2).

ClinVar aggregate classification (germline): Uncertain significance (1 of 4 stars; one submission).

Submission:

Labcorp Genetics (formerly Invitae), Labcorp
Classification: Uncertain significance. Last evaluated: 2024-09-15. Review status: criteria provided, single submitter. Criteria: Invitae Variant Classification Sherloc (09022015). Collection method: clinical testing. Allele origin: germline.
Comment: This sequence change replaces lysine, which is basic and polar, with glutamine, which is neutral and polar, at codon 17 of the ESRRB protein (p.Lys17Gln). This variant is not present in population databases (gnomAD no frequency). This variant has not been reported in the literature in individuals affected with ESRRB-related conditions. An algorithm developed to predict the effect of missense changes on protein structure and function (PolyPhen-2) suggests that this variant is likely to be disruptive. In summary, the available evidence is currently insufficient to determine the role of this variant in disease. Therefore, it has been classified as a Variant of Uncertain Significance.